The following is an entry in ClinVar:

ClinVar aggregate classification (germline): Uncertain significance (0 of 4 stars; one submission).

Conditions:
STKLD1-related disorder. Also called: STKLD1-related condition.

gnomAD v4.1: 134 of 1,613,072 alleles (0.0083%); highest among the groups gnomAD compares: Non-Finnish European, 0.0099%; no homozygotes.

Submission:

PreventionGenetics, part of Exact Sciences
Classification: Uncertain significance for STKLD1-related condition. Last evaluated: 2024-06-06. Review status: no assertion criteria provided. Collection method: clinical testing. Allele origin: germline.
Comment: The STKLD1 c.593G>A variant is predicted to result in the amino acid substitution p.Arg198His. To our knowledge, this variant has not been reported in the literature. This variant is reported in 0.0080% of alleles in individuals of African descent in gnomAD. At this time, the clinical significance of this variant is uncertain due to the absence of conclusive functional and genetic evidence.

NM_153710.5(STKLD1):c.593G>A (p.Arg198His)

Gene: STKLD1 (serine/threonine kinase like domain containing 1; plus strand). Cytogenetic location: 9q34.2.
Variant type: single nucleotide variant.
Coding change: c.593G>A on transcript NM_153710.5 (MANE Select); coding-DNA position 593, G replaced by A.
Protein change: p.Arg198His; replaces arginine 198 with histidine.
Molecular consequence: missense variant. On other transcripts: non-coding transcript variant (1).
Genome position (GRCh38, 1-based): chr9:133,394,300, G>A. VCF-style: chr9-133394300-G-A. GRCh37 (hg19) VCF-style: chr9-136259427-G-A.
Other names: short protein forms R198H.
Identifiers: ClinVar variation 3352310 (VCV003352310.1).
Genomic context (GRCh38, chr9:133,394,300, plus strand): 5'-TGCCCCCAGGGAGCAAAGGACTCAGGGATCCCACCTTGCTTTTACCAACAGACCCCTTTC[G>A]TAAGTCCTGGATGGCCCCTGAAGCCCTCAACTTCTCCTTCAGCCAGAAATCAGACATCTG-3'
Protein context (NP_714921.4, residues 188-208): WNIRAEEDPF[Arg198His]KSWMAPEALN